The following is an entry in ClinVar:

NM_020223.4(FAM20C):c.1375C>T (p.Arg459Cys)

Gene: FAM20C (FAM20C golgi associated secretory pathway kinase; plus strand). Cytogenetic location: 7p22.3.
Variant type: single nucleotide variant.
Coding change: c.1375C>T on transcript NM_020223.4 (MANE Select); coding-DNA position 1375, C replaced by T.
Protein change: p.Arg459Cys; replaces arginine 459 with cysteine.
Molecular consequence: missense variant.
Genome position (GRCh38, 1-based): chr7:257,016, C>T. VCF-style: chr7-257016-C-T. GRCh37 (hg19) VCF-style: chr7-296982-C-T.
Other names: c.1375C>T (NM_020223.2); short protein forms R459C.
Identifiers: ClinVar variation 930917 (VCV000930917.7), dbSNP rs1232400875, ClinGen allele CA366525754.
Genomic context (GRCh38, chr7:257,016, plus strand): 5'-CGTGGCCCGGCTCCCCACGAGCTGTGACACTTTCTGCCTCTCTCCGCAGGAAACATGGAC[C>T]GTCACCACTACGAGACTTTTGAGAAGTTTGGGAATGAAACGTTCATCATCCACTTAGACA-3'
Protein context (NP_064608.2, residues 449-469): IFDFLMGNMD[Arg459Cys]HHYETFEKFG

ClinVar aggregate classification (germline): Uncertain significance. Review status: criteria provided, multiple submitters, no conflicts (2 of 4 stars). 3 submissions from 3 submitters: Uncertain significance (3). Last evaluated 2024-11-21.

Conditions:
Lethal osteosclerotic bone dysplasia (RNS). Also called: Osteomalacia, sclerosing, with cerebral calcification. Identifiers: Orphanet 1832, MedGen C1850106, MONDO:0009821, OMIM 259775.
Inborn genetic diseases. Identifiers: MedGen C0950123, MeSH D030342.

Allele frequency attached by ClinVar (database versions not stated): TOPMed 0.00002.

Submissions (3):

Laboratorio de Genetica e Diagnostico Molecular, Hospital Israelita Albert Einstein
Classification: Uncertain significance for Lethal osteosclerotic bone dysplasia. Last evaluated: 2024-11-21. Review status: criteria provided, single submitter. Criteria: ACMG Guidelines, 2015. Collection method: clinical testing. Allele origin: germline. Affected: yes.
Comment: ACMG classification criteria: PM2 supporting, PP3 supporting

Ambry Genetics
Classification: Uncertain significance for Inborn genetic diseases. Last evaluated: 2022-11-07. Review status: criteria provided, single submitter. Criteria: Ambry Variant Classification Scheme 2023. Collection method: clinical testing. Allele origin: germline.

Centre for Mendelian Genomics, University Medical Centre Ljubljana
Classification: Uncertain significance for Lethal osteosclerotic bone dysplasia. Last evaluated: 2020-03-20. Review status: criteria provided, single submitter. Criteria: ACMG Guidelines, 2015. Collection method: clinical testing. Allele origin: unknown. Affected: yes.
Comment: This variant was classified as: Uncertain significance. The available evidence favors the pathogenic nature of this variant, however the currently available data is insufficient to conclusively support its pathogenic nature. Thus this variant is classified as Uncertain significance - favor pathogenic. The following ACMG criteria were applied in classifying this variant: PM2,PM5,PP3. This variant was detected in homozygous state.